The following is an entry in ClinVar:

ClinVar aggregate classification (germline): Uncertain significance. Review status: criteria provided, multiple submitters, no conflicts (2 of 4 stars). 2 submissions from 2 submitters: Uncertain significance (2). Last evaluated 2024-10-04.

Conditions:
Inborn genetic diseases. Identifiers: MedGen C0950123, MeSH D030342.

Allele frequency attached by ClinVar (database versions not stated): ExAC 0.00002; gnomAD 0.00002.
gnomAD v4.1: 41 of 1,614,050 alleles (0.0025%); highest among the groups gnomAD compares: Non-Finnish European, 0.0033%; 1 homozygote.

Submissions (2):

Ambry Genetics
Classification: Uncertain significance for Inborn genetic diseases. Last evaluated: 2024-10-04. Review status: criteria provided, single submitter. Criteria: Ambry Variant Classification Scheme 2023. Collection method: clinical testing. Allele origin: germline.
Comment: The p.R114G variant (also known as c.340A>G), located in coding exon 2 of the ANKRD26 gene, results from an A to G substitution at nucleotide position 340. The arginine at codon 114 is replaced by glycine, an amino acid with dissimilar properties. This amino acid position is conserved. In addition, this alteration is predicted to be tolerated by in silico analysis. Based on the available evidence, the clinical significance of this variant remains unclear.

Labcorp Genetics (formerly Invitae), Labcorp
Classification: Uncertain significance. Last evaluated: 2024-02-20. Review status: criteria provided, single submitter. Criteria: Invitae Variant Classification Sherloc (09022015). Collection method: clinical testing. Allele origin: germline.
Comment: This sequence change replaces arginine, which is basic and polar, with glycine, which is neutral and non-polar, at codon 114 of the ANKRD26 protein (p.Arg114Gly). This variant is present in population databases (rs762754151, gnomAD 0.005%), including at least one homozygous and/or hemizygous individual. This variant has not been reported in the literature in individuals affected with ANKRD26-related conditions. An algorithm developed to predict the effect of missense changes on protein structure and function (PolyPhen-2) suggests that this variant is likely to be tolerated. In summary, the available evidence is currently insufficient to determine the role of this variant in disease. Therefore, it has been classified as a Variant of Uncertain Significance.

NM_014915.3(ANKRD26):c.340A>G (p.Arg114Gly)

Gene: ANKRD26 (ankyrin repeat domain 26; minus strand). Cytogenetic location: 10p12.1.
Variant type: single nucleotide variant.
Coding change: c.340A>G on transcript NM_014915.3 (MANE Select); coding-DNA position 340, A replaced by G.
Protein change: p.Arg114Gly; replaces arginine 114 with glycine.
Molecular consequence: missense variant.
Genome position (GRCh38, 1-based): chr10:27,093,702, T>C on the plus strand (A>G on the coding strand, the complement: ANKRD26 is on the minus strand). VCF-style: chr10-27093702-T-C. GRCh37 (hg19) VCF-style: chr10-27382631-T-C.
Other names: c.340A>G, p.Arg114Gly (NM_001256053.2); short protein forms R114G.
Identifiers: ClinVar variation 2721961 (VCV002721961.5), dbSNP rs762754151, ClinGen allele CA5448977.